The following is an entry in ClinVar:

ClinVar aggregate classification (germline): Uncertain significance (1 of 4 stars; one submission).

Conditions:
Shprintzen-Goldberg syndrome (SGS). Also called: SHPRINTZEN-GOLDBERG CRANIOSYNOSTOSIS SYNDROME; CRANIOSYNOSTOSIS WITH ARACHNODACTYLY AND ABDOMINAL HERNIAS; Marfanoid disorder with craniosynostosis type 1; Marfanoid craniosynostosis syndrome; Shprintzen-Goldberg marfanoid syndrome. Identifiers: Orphanet 2462, MedGen C1321551, MONDO:0008426, OMIM 182212.

Submission:

Labcorp Genetics (formerly Invitae), Labcorp
Classification: Uncertain significance for Shprintzen-Goldberg syndrome. Last evaluated: 2022-12-30. Review status: criteria provided, single submitter. Criteria: Invitae Variant Classification Sherloc (09022015). Collection method: clinical testing. Allele origin: germline.
Comment: In summary, the available evidence is currently insufficient to determine the role of this variant in disease. Therefore, it has been classified as a Variant of Uncertain Significance. Advanced modeling of protein sequence and biophysical properties (such as structural, functional, and spatial information, amino acid conservation, physicochemical variation, residue mobility, and thermodynamic stability) has been performed at Invitae for this missense variant, however the output from this modeling did not meet the statistical confidence thresholds required to predict the impact of this variant on SKI protein function. This variant has not been reported in the literature in individuals affected with SKI-related conditions. This variant is not present in population databases (gnomAD no frequency). This sequence change replaces leucine, which is neutral and non-polar, with phenylalanine, which is neutral and non-polar, at codon 376 of the SKI protein (p.Leu376Phe).

NM_003036.4(SKI):c.1126C>T (p.Leu376Phe)

Gene: SKI (SKI proto-oncogene; plus strand). Cytogenetic location: 1p36.32.
Variant type: single nucleotide variant.
Coding change: c.1126C>T on transcript NM_003036.4 (MANE Select); coding-DNA position 1126, C replaced by T.
Protein change: p.Leu376Phe; replaces leucine 376 with phenylalanine.
Molecular consequence: missense variant.
Genome position (GRCh38, 1-based): chr1:2,303,315, C>T. VCF-style: chr1-2303315-C-T. GRCh37 (hg19) VCF-style: chr1-2234754-C-T.
Other names: short protein forms L376F.
Identifiers: ClinVar variation 2879688 (VCV002879688.3), dbSNP rs2521475044, ClinGen allele CA337954401.